The following is an entry in ClinVar:

NM_001252024.2(TRPM1):c.923C>T (p.Ser308Leu)

Gene: TRPM1 (transient receptor potential cation channel subfamily M member 1; minus strand). Cytogenetic location: 15q13.3.
Variant type: single nucleotide variant.
Coding change: c.923C>T on transcript NM_001252024.2 (MANE Select); coding-DNA position 923, C replaced by T.
Protein change: p.Ser308Leu; replaces serine 308 with leucine.
Molecular consequence: missense variant.
Genome position (GRCh38, 1-based): chr15:31,063,160, G>A on the plus strand (C>T on the coding strand, the complement: TRPM1 is on the minus strand). VCF-style: chr15-31063160-G-A. GRCh37 (hg19) VCF-style: chr15-31355363-G-A.
Other names: c.974C>T (NM_001252020.1); c.974C>T, p.Ser325Leu (NM_001252020.2); c.857C>T, p.Ser286Leu (NM_002420.6); short protein forms S308L, S286L, S325L.
Identifiers: ClinVar variation 4923892 (VCV004923892.2).

ClinVar aggregate classification (germline): Conflicting classifications of pathogenicity. Review status: criteria provided, conflicting classifications (1 of 4 stars). 2 submissions from 2 submitters: Pathogenic (1); Uncertain significance (1). Last evaluated 2025-03-13.

Conditions:
TRPM1-related disorder. Also called: TRPM1-related condition.

gnomAD v4.1: 13 of 1,614,074 alleles (0.00081%); highest among the groups gnomAD compares: African/African-American, 0.004%; no homozygotes.

Submissions (2):

PreventionGenetics, part of Exact Sciences
Classification: Uncertain significance for TRPM1-related condition. Last evaluated: 2025-03-13. Review status: criteria provided, single submitter. Criteria: ACMG Guidelines, 2015. Collection method: clinical testing. Allele origin: germline.
Comment: The TRPM1 c.974C>T variant is predicted to result in the amino acid substitution p.Ser325Leu. This variant has been reported in the homozygous state in three individuals from one family segregate with congenital stationary night blindness (referred to as c.857C>T (p.S286L), Malaichamy et al. 2014. PubMed ID: 24715752). This variant is reported in 0.0065% of alleles in individuals of African descent in gnomAD. Although we suspect that this variant may be pathogenic, at this time, the clinical significance of this variant is uncertain due to the absence of conclusive functional and genetic evidence.

Blueprint Genetics
Classification: Pathogenic for TRPM1-related disorders. Last evaluated: 2022-08-22. Review status: criteria provided, single submitter. Criteria: ACMG Guidelines, 2015. Collection method: clinical testing. Allele origin: germline. Affected: yes. Observed: 4 variant alleles.